The following is an entry in ClinVar:

ClinVar aggregate classification (germline): Conflicting classifications of pathogenicity. Review status: criteria provided, conflicting classifications (1 of 4 stars). 3 submissions from 3 submitters: Uncertain significance (2); Likely benign (1). Last evaluated 2026-01-11.

Conditions:
Hereditary cancer-predisposing syndrome. Also called: Tumor predisposition; Hereditary Cancer Syndrome; Hereditary neoplastic syndrome; Neoplastic Syndromes, Hereditary. Identifiers: Orphanet 140162, MedGen C0027672, MeSH D009386, MONDO:0015356.
POLD1-related polyposis and colorectal cancer syndrome (CRCS10). Also called: Colorectal cancer 10; COLORECTAL CANCER, SUSCEPTIBILITY TO, ON CHROMOSOME 19q; Colorectal cancer, susceptibility to, 10. Identifiers: Orphanet 220460, MedGen C2675481, MONDO:0012953, OMIM 612591.

Allele frequency attached by ClinVar (database versions not stated): gnomAD 0.00001.

Submissions (3):

Labcorp Genetics (formerly Invitae), Labcorp
Classification: Uncertain significance for POLD1-related polyposis and colorectal cancer syndrome. Last evaluated: 2026-01-11. Review status: criteria provided, single submitter. Criteria: Invitae Variant Classification Sherloc (09022015). Collection method: clinical testing. Allele origin: germline.
Comment: This sequence change replaces methionine, which is neutral and non-polar, with isoleucine, which is neutral and non-polar, at codon 41 of the POLD1 protein (p.Met41Ile). This variant is present in population databases (no rsID available, gnomAD 0.01%). This variant has not been reported in the literature in individuals affected with POLD1-related conditions. ClinVar contains an entry for this variant (Variation ID: 1007689). An algorithm developed to predict the effect of missense changes on protein structure and function (PolyPhen-2) suggests that this variant is likely to be tolerated. In summary, the available evidence is currently insufficient to determine the role of this variant in disease. Therefore, it has been classified as a Variant of Uncertain Significance.

Ambry Genetics
Classification: Likely benign for Hereditary cancer-predisposing syndrome. Last evaluated: 2025-11-21. Review status: criteria provided, single submitter. Criteria: Ambry Variant Classification Scheme 2023. Collection method: clinical testing. Allele origin: germline.

GeneDx
Classification: Uncertain significance. Last evaluated: 2024-11-01. Review status: criteria provided, single submitter. Criteria: GeneDx Variant Classification Process June 2021. Collection method: clinical testing. Allele origin: germline. Affected: yes.
Comment: Not observed at significant frequency in large population cohorts (gnomAD); In silico analysis indicates that this missense variant does not alter protein structure/function; Has not been previously published as pathogenic or benign to our knowledge

NM_002691.4(POLD1):c.123G>T (p.Met41Ile)

Gene: POLD1 (DNA polymerase delta 1, catalytic subunit; plus strand). Cytogenetic location: 19q13.33.
Variant type: single nucleotide variant.
Coding change: c.123G>T on transcript NM_002691.4 (MANE Select); coding-DNA position 123, G replaced by T.
Protein change: p.Met41Ile; replaces methionine 41 with isoleucine.
Molecular consequence: missense variant. On other transcripts: non-coding transcript variant (1).
Genome position (GRCh38, 1-based): chr19:50,398,974, G>T. VCF-style: chr19-50398974-G-T. GRCh37 (hg19) VCF-style: chr19-50902231-G-T.
Other names: c.123G>T (NM_002691.3); c.123G>T, p.Met41Ile (NM_001256849.1, NM_001308632.1); short protein forms M41I.
Identifiers: ClinVar variation 1007689 (VCV001007689.11), dbSNP rs1255892076, ClinGen allele CA406970188.